The following is an entry in ClinVar:

NM_001267550.2(TTN):c.47767G>A (p.Gly15923Arg)

Genes: TTN (titin; minus strand), TTN-AS1 (TTN antisense RNA 1; plus strand). Cytogenetic location: 2q31.2.
Variant type: single nucleotide variant.
Coding change: c.47767G>A on transcript NM_001267550.2 (MANE Select); coding-DNA position 47767, G replaced by A.
Protein change: p.Gly15923Arg; replaces glycine 15923 with arginine.
Molecular consequence: missense variant.
Genome position (GRCh38, 1-based): chr2:178,617,228, C>T on the plus strand (G>A on the coding strand, the complement: TTN is on the minus strand). VCF-style: chr2-178617228-C-T. GRCh37 (hg19) VCF-style: chr2-179481955-C-T.
Other names: p.G14282R:GGA>AGA; c.20947G>A, p.Gly6983Arg (NM_133432.3); c.21148G>A, p.Gly7050Arg (NM_133437.4); c.42844G>A, p.Gly14282Arg (NM_001256850.1); c.20572G>A, p.Gly6858Arg (NM_003319.4); c.40063G>A, p.Gly13355Arg (NM_133378.4); short protein forms G13355R, G15923R, G14282R, G6858R, G6983R, G7050R.
Identifiers: ClinVar variation 179048 (VCV000179048.51), dbSNP rs371943746, ClinGen allele CA183614.

ClinVar aggregate classification (germline): Conflicting classifications of pathogenicity. Review status: criteria provided, conflicting classifications (1 of 4 stars). 15 submissions from 11 submitters: Uncertain significance (11); Likely benign (4). Last evaluated 2026-08-28.

Conditions:
TTN-related disorder. Also called: TTN-related disorders; TTN-related condition; TTN-related disease.
Cardiovascular phenotype. Identifiers: MedGen CN230736.
Dilated cardiomyopathy 1G (CMD1G). Identifiers: Orphanet 154, MedGen C1858763, MONDO:0011400, OMIM 604145.
Autosomal recessive limb-girdle muscular dystrophy type 2J (LGMDR10). Also called: Limb-girdle muscular dystrophy, type 2J; MUSCULAR DYSTROPHY, LIMB-GIRDLE, AUTOSOMAL RECESSIVE 10. Identifiers: Orphanet 140922, MedGen C1837342, MONDO:0012127, OMIM 608807.
Early-onset myopathy with fatal cardiomyopathy (CMYO5). Also called: CONGENITAL MYOPATHY 5 WITH CARDIOMYOPATHY; Salih Myopathy. Identifiers: Orphanet 289377, MedGen C2673677, MONDO:0012714, OMIM 611705. Disease mechanism: loss of function.
Myopathy, myofibrillar, 9, with early respiratory failure (MFM9). Also called: Hereditary myopathy with early respiratory failure; MYOPATHY, PROXIMAL, WITH EARLY RESPIRATORY MUSCLE INVOLVEMENT; EDSTROM MYOPATHY; Myopathy, distal, with early respiratory failure, autosomal dominant. Identifiers: Orphanet 178464, Orphanet 34521, MedGen C1863599, MONDO:0011362, OMIM 603689.
Tibial muscular dystrophy (TMD). Also called: UDD MYOPATHY; Tibial muscular dystrophy, tardive; Udd Distal Myopathy – Tibial Muscular Dystrophy. Identifiers: Orphanet 609, MedGen C1838244, MONDO:0010870, OMIM 600334.

Allele frequency attached by ClinVar (database versions not stated): gnomAD exomes 0.00008 and 0.00015; ExAC 0.00031; ESP Exome Variant Server 0.00034; gnomAD 0.00036 and 0.00046; TOPMed 0.00057.
gnomAD v4.1: 177 of 1,543,872 alleles (0.011%); highest among the groups gnomAD compares: African/African-American, 0.082%; no homozygotes.

Submissions (15):

PreventionGenetics, part of Exact Sciences
Classification: Uncertain significance for TTN-related condition. Last evaluated: 2026-08-28. Review status: criteria provided, single submitter. Criteria: ACMG Guidelines, 2015. Collection method: clinical testing. Allele origin: germline.
Comment: The TTN c.47767G>A variant is predicted to result in the amino acid substitution p.Gly15923Arg. To our knowledge, this variant has not been reported in the literature. This variant is reported in 0.094% of alleles in individuals of African descent in gnomAD, which is too common to be causative. Although we suspect that this variant may be benign, at this time, the clinical significance of this variant is uncertain due to the absence of conclusive functional and genetic evidence.

Molecular Diagnostic Laboratory for Inherited Cardiovascular Disease, Montreal Heart Institute
Classification: Likely benign. Last evaluated: 2026-03-27. Review status: criteria provided, single submitter. Criteria: ACMG Guidelines, 2015. Collection method: clinical testing. Allele origin: germline. Affected: no.

Women's Health and Genetics/Laboratory Corporation of America, LabCorp
Classification: Uncertain significance. Last evaluated: 2026-03-05. Review status: criteria provided, single submitter. Criteria: LabCorp Variant Classification Summary - May 2015. Collection method: clinical testing. Allele origin: germline.

Revvity Omics, Revvity
Classification: Uncertain significance. Last evaluated: 2024-06-13. Review status: criteria provided, single submitter. Criteria: ACMG Guidelines, 2015. Collection method: clinical testing. Allele origin: germline.

CeGaT Center for Human Genetics Tuebingen
Classification: Uncertain significance. Last evaluated: 2023-07-01. Review status: criteria provided, single submitter. Criteria: CeGaT Center For Human Genetics Tuebingen Variant Classification Criteria Version 2. Collection method: clinical testing. Allele origin: germline. Affected: yes. Observed: 1 variant allele.

GeneDx
Classification: Likely benign. Last evaluated: 2020-10-28. Review status: criteria provided, single submitter. Criteria: GeneDx Variant Classification Process June 2021. Collection method: clinical testing. Allele origin: germline. Affected: yes.

Ambry Genetics
Classification: Uncertain significance for Cardiovascular phenotype. Last evaluated: 2019-09-11. Review status: criteria provided, single submitter. Criteria: Ambry Variant Classification Scheme 2023. Collection method: clinical testing. Allele origin: germline.
Comment: The p.G6858R variant (also known as c.20572G>A), located in coding exon 82 of the TTN gene, results from a G to A substitution at nucleotide position 20572. The glycine at codon 6858 is replaced by arginine, an amino acid with dissimilar properties. This amino acid position is highly conserved in available vertebrate species. In addition, this alteration is predicted to be tolerated by in silico analysis. Since supporting evidence is limited at this time, the clinical significance of this variant remains unclear.

Illumina Laboratory Services, Illumina
Classification: Likely benign for Tibial muscular dystrophy. Last evaluated: 2018-01-13. Review status: criteria provided, single submitter. Criteria: ICSL Variant Classification Criteria 13 December 2019. Collection method: clinical testing. Allele origin: germline.
Comment: This variant was observed in the ICSL laboratory as part of a predisposition screen in an ostensibly healthy population. It had not been previously curated by ICSL or reported in the Human Gene Mutation Database (HGMD: prior to June 1st, 2018), and was therefore a candidate for classification through an automated scoring system. Utilizing variant allele frequency, disease prevalence and penetrance estimates, and inheritance mode, an automated score was calculated to assess if this variant is too frequent to cause the disease. Based on the score and internal cut-off values, a variant classified as likely benign is not then subjected to further curation. The score for this variant resulted in a classification of likely benign for this disease.

Illumina Laboratory Services, Illumina
Classification: Uncertain significance for Autosomal recessive limb-girdle muscular dystrophy type 2J. Last evaluated: 2018-01-13. Review status: criteria provided, single submitter. Criteria: ICSL Variant Classification Criteria 13 December 2019. Collection method: clinical testing. Allele origin: germline.

Illumina Laboratory Services, Illumina
Classification: Uncertain significance for Dilated cardiomyopathy 1G. Last evaluated: 2018-01-13. Review status: criteria provided, single submitter. Criteria: ICSL Variant Classification Criteria 13 December 2019. Collection method: clinical testing. Allele origin: germline.

Illumina Laboratory Services, Illumina
Classification: Likely benign for Myopathy, myofibrillar, 9, with early respiratory failure. Last evaluated: 2018-01-13. Review status: criteria provided, single submitter. Criteria: ICSL Variant Classification Criteria 13 December 2019. Collection method: clinical testing. Allele origin: germline.
Comment: the same text as in the submission from Illumina Laboratory Services, Illumina above.

Illumina Laboratory Services, Illumina
Classification: Uncertain significance for Early-onset myopathy with fatal cardiomyopathy. Last evaluated: 2018-01-13. Review status: criteria provided, single submitter. Criteria: ICSL Variant Classification Criteria 13 December 2019. Collection method: clinical testing. Allele origin: germline.

Labcorp Genetics (formerly Invitae), Labcorp
Classification: Uncertain significance for Dilated cardiomyopathy 1G; Autosomal recessive limb-girdle muscular dystrophy type 2J. Last evaluated: 2018-01-05. Review status: criteria provided, single submitter. Criteria: Invitae Variant Classification Sherloc (09022015). Collection method: clinical testing. Allele origin: germline.

Eurofins Ntd Llc (ga)
Classification: Uncertain significance. Last evaluated: 2016-02-23. Review status: criteria provided, single submitter. Criteria: EGL Classification Definitions 2015. Collection method: clinical testing. Allele origin: germline. Observed: 2 variant alleles, 2 heterozygotes.

Laboratory for Molecular Medicine, Mass General Brigham Personalized Medicine
Classification: Uncertain significance. Last evaluated: 2014-10-06. Review status: criteria provided, single submitter. Criteria: LMM Criteria. Collection method: clinical testing. Allele origin: germline. Observed: 1 variant allele.
Comment: The Gly13355Arg variant in TTN has not been previously reported in individuals w ith cardiomyopathy, but has been identified in 0.1% (4/3602) of African American chromosomes by the NHLBI Exome Sequencing Project (/EVS/; dbSNP rs371943746). Computational prediction tools and conservation analy sis suggest that the Gly13355Arg variant may impact the protein, though this inf ormation is not predictive enough to determine pathogenicity. In summary, the cl inical significance of the Gly13355Arg variant is uncertain.